The following is an entry in ClinVar:

ClinVar aggregate classification (germline): Uncertain significance. Review status: criteria provided, multiple submitters, no conflicts (2 of 4 stars). 3 submissions from 3 submitters: Uncertain significance (2). 1 of the submissions does not count toward it. Last evaluated 2025-06-03.

Conditions:
Hereditary cancer-predisposing syndrome. Also called: Neoplastic Syndromes, Hereditary; Hereditary Cancer Syndrome; Hereditary neoplastic syndrome; Tumor predisposition. Identifiers: Orphanet 140162, MedGen C0027672, MeSH D009386, MONDO:0015356.
Ataxia-telangiectasia syndrome (AT). Also called: LOUIS-BAR SYNDROME; Ataxia-telangiectasia, complementation group E; Ataxia-telangiectasia, complementation group D; AT, COMPLEMENTATION GROUP C; Ataxia telangiectasia (A-T); Cerebello-oculocutaneous telangiectasia. Identifiers: Orphanet 100, MedGen C0004135, MONDO:0008840, OMIM 208900.

Submissions (3):

Labcorp Genetics (formerly Invitae), Labcorp
Classification: Uncertain significance for Ataxia-telangiectasia syndrome. Last evaluated: 2025-06-03. Review status: criteria provided, single submitter. Criteria: Invitae Variant Classification Sherloc (09022015). Collection method: clinical testing. Allele origin: germline.
Comment: This sequence change replaces leucine, which is neutral and non-polar, with phenylalanine, which is neutral and non-polar, at codon 1901 of the ATM protein (p.Leu1901Phe). This variant is not present in population databases (gnomAD no frequency). This variant has not been reported in the literature in individuals affected with ATM-related conditions. ClinVar contains an entry for this variant (Variation ID: 646110). Invitae Evidence Modeling of protein sequence and biophysical properties (such as structural, functional, and spatial information, amino acid conservation, physicochemical variation, residue mobility, and thermodynamic stability) indicates that this missense variant is not expected to disrupt ATM protein function with a negative predictive value of 95%. In summary, the available evidence is currently insufficient to determine the role of this variant in disease. Therefore, it has been classified as a Variant of Uncertain Significance.

Ambry Genetics
Classification: Uncertain significance for Hereditary cancer-predisposing syndrome. Last evaluated: 2020-03-18. Review status: criteria provided, single submitter. Criteria: Ambry Variant Classification Scheme 2023. Collection method: clinical testing. Allele origin: germline.
Comment: The p.L1901F variant (also known as c.5703G>C), located in coding exon 37 of the ATM gene, results from a G to C substitution at nucleotide position 5703. The leucine at codon 1901 is replaced by phenylalanine, an amino acid with highly similar properties. This amino acid position is not well conserved in available vertebrate species. In addition, this alteration is predicted to be tolerated by in silico analysis. Since supporting evidence is limited at this time, the clinical significance of this alteration remains unclear.

Natera, Inc.
Classification: Uncertain significance for Ataxia-telangiectasia. Last evaluated: 2021-07-02. Review status: no assertion criteria provided. Collection method: clinical testing. Allele origin: germline. Not counted in ClinVar's aggregate classification.

NM_000051.4(ATM):c.5703G>C (p.Leu1901Phe)

Gene: ATM (ATM serine/threonine kinase; plus strand). Cytogenetic location: 11q22.3.
Variant type: single nucleotide variant.
Coding change: c.5703G>C on transcript NM_000051.4 (MANE Select); coding-DNA position 5703, G replaced by C.
Protein change: p.Leu1901Phe; replaces leucine 1901 with phenylalanine.
Molecular consequence: missense variant.
Genome position (GRCh38, 1-based): chr11:108,307,925, G>C. VCF-style: chr11-108307925-G-C. GRCh37 (hg19) VCF-style: chr11-108178652-G-C.
Other names: c.5703G>C, p.Leu1901Phe (NM_001351834.2); short protein forms L1901F.
Identifiers: ClinVar variation 646110 (VCV000646110.15), dbSNP rs756979112, ClinGen allele CA382547844.